The following is an entry in ClinVar:

NM_000419.5(ITGA2B):c.842C>T (p.Thr281Ile)

Gene: ITGA2B (integrin subunit alpha 2b; minus strand). Cytogenetic location: 17q21.31.
Variant type: single nucleotide variant.
Coding change: c.842C>T on transcript NM_000419.5 (MANE Select); coding-DNA position 842, C replaced by T.
Protein change: p.Thr281Ile; replaces threonine 281 with isoleucine.
Molecular consequence: missense variant.
Genome position (GRCh38, 1-based): chr17:44,384,543, G>A on the plus strand (C>T on the coding strand, the complement: ITGA2B is on the minus strand). VCF-style: chr17-44384543-G-A. GRCh37 (hg19) VCF-style: chr17-42461911-G-A.
Other names: NM_000419.5(ITGA2B):c.842C>T; p.Thr281Ile; short protein forms T281I.
Identifiers: ClinVar variation 1210182 (VCV001210182.2), dbSNP rs2143481657, ClinGen allele CA399805055.

ClinVar aggregate classification (germline): Likely pathogenic (3 of 4 stars; one submission).

Conditions:
Glanzmann thrombasthenia. Also called: BLEEDING DISORDER, PLATELET-TYPE, 2; THROMBASTHENIA OF GLANZMANN AND NAEGELI; PLATELET GLYCOPROTEIN IIb-IIIa DEFICIENCY; Thrombasthenia; Glanzmann's thrombasthenia. Identifiers: Orphanet 849, MedGen C0040015, MONDO:0100326.

Submission:

ClinGen Platelet Disorders Variant Curation Expert Panel, ClinGen
Classification: Likely pathogenic for Glanzmann thrombasthenia. Last evaluated: 2024-05-02. Review status: reviewed by expert panel. Criteria: ClinGen Platelet ACMG Specifications v2-1. Collection method: curation. Allele origin: germline. Inheritance: Autosomal recessive inheritance.
Comment: The missense variant NM_000419.5(ITGA2B):c.842C>T (p.Thr281Ile) is absent from gnomADv4.o (PM2_supporting). It is reported in one compound heterozygous individual (PMID: 25373348) with c.2602-3C>A and c.2602-2A>G (classified Likely Pathogenic by the PD-VCEP; SCV001809877.2) and one homozygous individual (PMID: 31029159; PM3_supporting). GT16 of PMID: 25373348 meets bleeding phenotype, aggregometry criteria, and integrin expression is reported to be <5% reduced by flow cytometry, and all exons of ITGA2B and ITGB3 genes as well as surrounding intron regions were sequenced. (PP4_Strong). In summary, this variant meets criteria to be classified as Likely Pathogenic for GT. GT-specific criteria applied: PP4_Strong, PM2_Supporting, PM3_Supporting.